The following is an entry in ClinVar:

ClinVar aggregate classification (germline): Uncertain significance. Review status: criteria provided, multiple submitters, no conflicts (2 of 4 stars). 9 submissions from 8 submitters: Uncertain significance (8). 1 of the submissions does not count toward it. Last evaluated 2026-08-01.

Conditions:
Retinitis pigmentosa 39 (RP39). Identifiers: Orphanet 791, MedGen C3151138, MONDO:0013436, OMIM 613809.
Usher syndrome type 2A. Also called: RETINAL DISEASE IN USHER SYNDROME TYPE IIA, MODIFIER OF; USHER SYNDROME, TYPE IIA. Identifiers: Orphanet 231178, Orphanet 886, MedGen C1848634, MONDO:0010169, OMIM 276901.
USH2A-related disorder. Also called: USH2A-related condition; USH2A-related disorders. Identifiers: MedGen CN239332.
Inborn genetic diseases. Identifiers: MedGen C0950123, MeSH D030342.

Allele frequency attached by ClinVar (database versions not stated): gnomAD 0.00004; TOPMed 0.00006.
gnomAD v4.1: 44 of 1,613,624 alleles (0.0027%); highest among the groups gnomAD compares: East Asian, 0.0067%; no homozygotes.

Submissions (9):

CeGaT Center for Human Genetics Tuebingen
Classification: Uncertain significance. Last evaluated: 2026-08-01. Review status: criteria provided, single submitter. Criteria: CeGaT Center For Human Genetics Tuebingen Variant Classification Criteria Version 2. Collection method: clinical testing. Allele origin: germline. Affected: yes. Observed: 2 variant alleles.
Comment: USH2A: PM2

Ambry Genetics
Classification: Uncertain significance for Inborn genetic diseases. Last evaluated: 2026-04-01. Review status: criteria provided, single submitter. Criteria: Ambry Variant Classification Scheme 2023. Collection method: clinical testing. Allele origin: germline.

PreventionGenetics, part of Exact Sciences
Classification: Uncertain significance for USH2A-related condition. Last evaluated: 2025-12-09. Review status: criteria provided, single submitter. Criteria: ACMG Guidelines, 2015. Collection method: clinical testing. Allele origin: germline.
Comment: The USH2A c.4562G>A variant is predicted to result in the amino acid substitution p.Arg1521His. To our knowledge, this variant has not been reported in the literature. This variant is reported in 0.0098% of alleles in individuals of South Asian descent in gnomAD. At this time, the clinical significance of this variant is uncertain due to the absence of conclusive functional and genetic evidence.

Revvity Omics, Revvity
Classification: Uncertain significance. Last evaluated: 2025-04-03. Review status: criteria provided, single submitter. Criteria: ACMG Guidelines, 2015. Collection method: clinical testing. Allele origin: germline.

Genome-Nilou Lab
Classification: Uncertain significance for Retinitis pigmentosa 39. Last evaluated: 2023-11-04. Review status: criteria provided, single submitter. Criteria: ACMG Guidelines, 2015. Collection method: clinical testing. Allele origin: germline. Affected: no.

Genome-Nilou Lab
Classification: Uncertain significance for Usher syndrome type 2A. Last evaluated: 2023-11-04. Review status: criteria provided, single submitter. Criteria: ACMG Guidelines, 2015. Collection method: clinical testing. Allele origin: germline. Affected: no.

Blueprint Genetics
Classification: Uncertain significance. Last evaluated: 2023-02-24. Review status: criteria provided, single submitter. Criteria: ACMG Guidelines, 2015. Collection method: clinical testing. Allele origin: germline.

Labcorp Genetics (formerly Invitae), Labcorp
Classification: Uncertain significance. Last evaluated: 2022-08-21. Review status: criteria provided, single submitter. Criteria: Invitae Variant Classification Sherloc (09022015). Collection method: clinical testing. Allele origin: germline.
Comment: This sequence change replaces arginine, which is basic and polar, with histidine, which is basic and polar, at codon 1521 of the USH2A protein (p.Arg1521His). This variant is present in population databases (rs770394440, gnomAD 0.01%). This variant has not been reported in the literature in individuals affected with USH2A-related conditions. ClinVar contains an entry for this variant (Variation ID: 844245). Algorithms developed to predict the effect of missense changes on protein structure and function output the following: SIFT: "Deleterious"; PolyPhen-2: "Probably Damaging"; Align-GVGD: "Class C0". The histidine amino acid residue is found in multiple mammalian species, which suggests that this missense change does not adversely affect protein function. In summary, the available evidence is currently insufficient to determine the role of this variant in disease. Therefore, it has been classified as a Variant of Uncertain Significance.

Natera, Inc.
Classification: Uncertain significance for Usher syndrome type 2A. Last evaluated: 2020-01-17. Review status: no assertion criteria provided. Collection method: clinical testing. Allele origin: germline. Not counted in ClinVar's aggregate classification.

NM_206933.4(USH2A):c.4562G>A (p.Arg1521His)

Gene: USH2A (usherin; minus strand). Cytogenetic location: 1q41.
Variant type: single nucleotide variant.
Coding change: c.4562G>A on transcript NM_206933.4 (MANE Select); coding-DNA position 4562, G replaced by A.
Protein change: p.Arg1521His; replaces arginine 1521 with histidine.
Molecular consequence: missense variant.
Genome position (GRCh38, 1-based): chr1:216,175,317, C>T on the plus strand (G>A on the coding strand, the complement: USH2A is on the minus strand). VCF-style: chr1-216175317-C-T. GRCh37 (hg19) VCF-style: chr1-216348659-C-T.
Other names: c.4562G>A, p.Arg1521His (NM_007123.6); short protein forms R1521H.
Identifiers: ClinVar variation 844245 (VCV000844245.48), dbSNP rs770394440, ClinGen allele CA1395690.